The following is an entry in ClinVar:

NM_005909.5(MAP1B):c.1730C>A (p.Pro577Gln)

Gene: MAP1B (microtubule associated protein 1B; plus strand). Cytogenetic location: 5q13.2.
Variant type: single nucleotide variant.
Coding change: c.1730C>A on transcript NM_005909.5 (MANE Select); coding-DNA position 1730, C replaced by A.
Protein change: p.Pro577Gln; replaces proline 577 with glutamine.
Molecular consequence: missense variant.
Genome position (GRCh38, 1-based): chr5:72,195,085, C>A. VCF-style: chr5-72195085-C-A. GRCh37 (hg19) VCF-style: chr5-71490912-C-A.
Other names: c.1352C>A, p.Pro451Gln (NM_001324255.2); short protein forms P451Q, P577Q.
Identifiers: ClinVar variation 3372090 (VCV003372090.1).

ClinVar aggregate classification (germline): Uncertain significance (1 of 4 stars; one submission).

Submission:

GeneDx
Classification: Uncertain significance. Last evaluated: 2024-04-06. Review status: criteria provided, single submitter. Criteria: GeneDx Variant Classification Process June 2021. Collection method: clinical testing. Allele origin: germline. Affected: yes.
Comment: Not observed at significant frequency in large population cohorts (gnomAD); In silico analysis indicates that this missense variant does not alter protein structure/function; Has not been previously published as pathogenic or benign to our knowledge